The following is an entry in ClinVar:

NM_000083.3(CLCN1):c.2901C>T (p.Ala967=)

Gene: CLCN1 (chloride voltage-gated channel 1; plus strand). Cytogenetic location: 7q34.
Variant type: single nucleotide variant.
Coding change: c.2901C>T on transcript NM_000083.3 (MANE Select); coding-DNA position 2901, C replaced by T.
Protein change: p.Ala967=; no amino-acid change (alanine 967 retained).
Molecular consequence: synonymous variant. On other transcripts: non-coding transcript variant (1).
Genome position (GRCh38, 1-based): chr7:143,351,899, C>T. VCF-style: chr7-143351899-C-T. GRCh37 (hg19) VCF-style: chr7-143048992-C-T.
Identifiers: ClinVar variation 359128 (VCV000359128.15), dbSNP rs143082508, ClinGen allele CA4537812.

ClinVar aggregate classification (germline): Benign/Likely benign. Review status: criteria provided, multiple submitters, no conflicts (2 of 4 stars). 2 submissions from 2 submitters: Benign (1); Likely benign (1). Last evaluated 2026-01-19.

Conditions:
Batten-Turner congenital myopathy. Also called: Myotonia congenita; Congenital myotonia. Identifiers: Orphanet 206973, MedGen C0027127, MONDO:0100468, OMIM 255300.
Congenital myotonia, autosomal recessive form. Also called: BECKER DISEASE; myotonia congenita, autosomal recessive; Becker Generalized Myotonia. Identifiers: Orphanet 614, MedGen C0751360, MONDO:0009715, OMIM 255700.
Congenital myotonia, autosomal dominant form (THD). Also called: Myotonia congenita autosomal dominant; THOMSEN DISEASE. Identifiers: Orphanet 614, MedGen C2936781, MONDO:0008055, OMIM 160800.

Allele frequency attached by ClinVar (database versions not stated): gnomAD 0.00006 and 0.00011; gnomAD exomes 0.00008 and 0.00014; TOPMed 0.00013; ExAC 0.00015; 1000 Genomes Project 30x 0.00031; 1000 Genomes Project 0.00040.
gnomAD v4.1: 130 of 1,613,836 alleles (0.0081%); highest among the groups gnomAD compares: East Asian, 0.23%; 1 homozygote.

Submissions (2):

Labcorp Genetics (formerly Invitae), Labcorp
Classification: Likely benign for Congenital myotonia, autosomal recessive form; Congenital myotonia, autosomal dominant form. Last evaluated: 2026-01-19. Review status: criteria provided, single submitter. Criteria: Invitae Variant Classification Sherloc (09022015). Collection method: clinical testing. Allele origin: germline.

Illumina Laboratory Services, Illumina
Classification: Benign for Myotonia congenita. Last evaluated: 2018-01-13. Review status: criteria provided, single submitter. Criteria: ICSL Variant Classification Criteria 13 December 2019. Collection method: clinical testing. Allele origin: germline.
Comment: This variant was observed in the ICSL laboratory as part of a predisposition screen in an ostensibly healthy population. It had not been previously curated by ICSL or reported in the Human Gene Mutation Database (HGMD: prior to June 1st, 2018), and was therefore a candidate for classification through an automated scoring system. Utilizing variant allele frequency, disease prevalence and penetrance estimates, and inheritance mode, an automated score was calculated to assess if this variant is too frequent to cause the disease. Based on the score and internal cut-off values, a variant classified as benign is not then subjected to further curation. The score for this variant resulted in a classification of benign for this disease.